The following is an entry in ClinVar:

ClinVar aggregate classification (germline): Conflicting classifications of pathogenicity. Review status: criteria provided, conflicting classifications (1 of 4 stars). 4 submissions from 4 submitters: Uncertain significance (2); Likely benign (2). Last evaluated 2026-01-22.

Conditions:
MFAP5-related disorder. Also called: MFAP5-related condition.
Cardiovascular phenotype. Identifiers: MedGen CN230736.

Allele frequency attached by ClinVar (database versions not stated): TOPMed 0.00006; ExAC 0.00009; gnomAD 0.00009; 1000 Genomes Project 30x 0.00016; 1000 Genomes Project 0.00020.

Submissions (4):

Labcorp Genetics (formerly Invitae), Labcorp
Classification: Uncertain significance. Last evaluated: 2026-01-22. Review status: criteria provided, single submitter. Criteria: Invitae Variant Classification Sherloc (09022015). Collection method: clinical testing. Allele origin: germline.
Comment: This sequence change replaces arginine, which is basic and polar, with cysteine, which is neutral and slightly polar, at codon 115 of the MFAP5 protein (p.Arg115Cys). This variant is present in population databases (rs748795143, gnomAD 0.07%), and has an allele count higher than expected for a pathogenic variant. This variant has not been reported in the literature in individuals affected with MFAP5-related conditions. ClinVar contains an entry for this variant (Variation ID: 916405). An algorithm developed to predict the effect of missense changes on protein structure and function (PolyPhen-2) suggests that this variant is likely to be disruptive. In summary, the available evidence is currently insufficient to determine the role of this variant in disease. Therefore, it has been classified as a Variant of Uncertain Significance.

Ambry Genetics
Classification: Uncertain significance for Cardiovascular phenotype. Last evaluated: 2025-11-02. Review status: criteria provided, single submitter. Criteria: Ambry Variant Classification Scheme 2023. Collection method: clinical testing. Allele origin: germline.
Comment: The p.R115C variant (also known as c.343C>T), located in coding exon 8 of the MFAP5 gene, results from a C to T substitution at nucleotide position 343. The arginine at codon 115 is replaced by cysteine, an amino acid with highly dissimilar properties. This amino acid position is highly conserved in available vertebrate species. In addition, the in silico prediction for this alteration is inconclusive. The evidence for this gene-disease relationship is limited; therefore, the clinical significance of this alteration is unclear.

PreventionGenetics, part of Exact Sciences
Classification: Likely benign for MFAP5-related condition. Last evaluated: 2025-08-12. Review status: criteria provided, single submitter. Criteria: ACMG Guidelines, 2015. Collection method: clinical testing. Allele origin: germline.
Comment: This variant is classified as likely benign based on ACMG/AMP sequence variant interpretation guidelines (Richards et al. 2015 PMID: 25741868, with internal and published modifications).

CeGaT Center for Human Genetics Tuebingen
Classification: Likely benign. Last evaluated: 2024-11-01. Review status: criteria provided, single submitter. Criteria: CeGaT Center For Human Genetics Tuebingen Variant Classification Criteria Version 2. Collection method: clinical testing. Allele origin: germline. Affected: yes. Observed: 2 variant alleles.
Comment: MFAP5: BS1

NM_003480.4(MFAP5):c.343C>T (p.Arg115Cys)

Gene: MFAP5 (microfibril associated protein 5; minus strand). Cytogenetic location: 12p13.31.
Variant type: single nucleotide variant.
Coding change: c.343C>T on transcript NM_003480.4 (MANE Select); coding-DNA position 343, C replaced by T.
Protein change: p.Arg115Cys; replaces arginine 115 with cysteine.
Molecular consequence: missense variant. On other transcripts: non-coding transcript variant (2), intron variant (1).
Genome position (GRCh38, 1-based): chr12:8,649,567, G>A on the plus strand (C>T on the coding strand, the complement: MFAP5 is on the minus strand). VCF-style: chr12-8649567-G-A. GRCh37 (hg19) VCF-style: chr12-8802163-G-A.
Other names: c.313C>T, p.Arg105Cys (NM_001297709.2); c.277C>T, p.Arg93Cys (NM_001297710.2); c.268C>T, p.Arg90Cys (NM_001297711.2); c.218-1364C>T (NM_001297712.2); c.343C>T (NM_003480.2, NM_003480.3); short protein forms R93C, R105C, R115C, R90C.
Identifiers: ClinVar variation 916405 (VCV000916405.47), dbSNP rs748795143, ClinGen allele CA6434607.
Genomic context (GRCh38, chr12:8,649,567, plus strand): 5'-TAGCTTCGTGTTCCTTACAGACAAGACGAGAGCAGATCTCCTTGTTGACGATGTACATAC[G>A]TCGTAAACTGCAGACGTCCCAGTGTCATAGGCAAGGAAGGAGATGGAAGAAAGCCTTGAG-3'
Protein context (NP_003471.1, residues 105-125): IHQLCFTSLR[Arg115Cys]MYIVNKEICS